The following is an entry in ClinVar:

NM_000051.4(ATM):c.775C>T (p.Leu259Phe)

Gene: ATM (ATM serine/threonine kinase; plus strand). Cytogenetic location: 11q22.3.
Variant type: single nucleotide variant.
Coding change: c.775C>T on transcript NM_000051.4 (MANE Select); coding-DNA position 775, C replaced by T.
Protein change: p.Leu259Phe; replaces leucine 259 with phenylalanine.
Molecular consequence: missense variant.
Genome position (GRCh38, 1-based): chr11:108,244,900, C>T. VCF-style: chr11-108244900-C-T. GRCh37 (hg19) VCF-style: chr11-108115627-C-T.
Other names: c.775C>T, p.Leu259Phe (NM_001351834.2); short protein forms L259F.
Identifiers: ClinVar variation 2418980 (VCV002418980.6), dbSNP rs2135240501, ClinGen allele CA382529324.

ClinVar aggregate classification (germline): Uncertain significance (1 of 4 stars; one submission).

Conditions:
Ataxia-telangiectasia syndrome (AT). Also called: Cerebello-oculocutaneous telangiectasia; Immunodeficiency with ataxia telangiectasia; Ataxia-telangiectasia; AT, COMPLEMENTATION GROUP C; Ataxia telangiectasia (A-T); LOUIS-BAR SYNDROME. Identifiers: Orphanet 100, MedGen C0004135, MONDO:0008840, OMIM 208900.

gnomAD v4.1: 1 of 1,613,712 alleles (0.000062%); highest among the groups gnomAD compares: East Asian, 0.0022%; no homozygotes.

Submission:

Labcorp Genetics (formerly Invitae), Labcorp
Classification: Uncertain significance for Ataxia-telangiectasia syndrome. Last evaluated: 2021-12-23. Review status: criteria provided, single submitter. Criteria: Invitae Variant Classification Sherloc (09022015). Collection method: clinical testing. Allele origin: germline.
Comment: This sequence change replaces leucine, which is neutral and non-polar, with phenylalanine, which is neutral and non-polar, at codon 259 of the ATM protein (p.Leu259Phe). This variant is not present in population databases (gnomAD no frequency). This variant has not been reported in the literature in individuals affected with ATM-related conditions. Advanced modeling of protein sequence and biophysical properties (such as structural, functional, and spatial information, amino acid conservation, physicochemical variation, residue mobility, and thermodynamic stability) performed at Invitae indicates that this missense variant is not expected to disrupt ATM protein function. In summary, the available evidence is currently insufficient to determine the role of this variant in disease. Therefore, it has been classified as a Variant of Uncertain Significance.